The following is an entry in ClinVar:

ClinVar aggregate classification (germline): Likely benign (0 of 4 stars; one submission).

Conditions:
PTPRF-related disorder. Also called: PTPRF-related condition.

Allele frequency attached by ClinVar (database versions not stated): ExAC 0.00001; TOPMed 0.00002; gnomAD 0.00003; gnomAD exomes 0.00004; ESP Exome Variant Server 0.00008.

Submission:

PreventionGenetics, part of Exact Sciences
Classification: Likely benign for PTPRF-related condition. Last evaluated: 2019-06-24. Review status: no assertion criteria provided. Collection method: clinical testing. Allele origin: germline.
Comment: This variant is classified as likely benign based on ACMG/AMP sequence variant interpretation guidelines (Richards et al. 2015 PMID: 25741868, with internal and published modifications).

NM_002840.5(PTPRF):c.4962C>G (p.Ser1654=)

Gene: PTPRF (protein tyrosine phosphatase receptor type F; plus strand). Cytogenetic location: 1p34.2.
Variant type: single nucleotide variant.
Coding change: c.4962C>G on transcript NM_002840.5 (MANE Select); coding-DNA position 4962, C replaced by G.
Protein change: p.Ser1654=; no amino-acid change (serine 1654 retained).
Molecular consequence: synonymous variant.
Genome position (GRCh38, 1-based): chr1:43,619,709, C>G. VCF-style: chr1-43619709-C-G. GRCh37 (hg19) VCF-style: chr1-44085380-C-G.
Other names: c.4128C>G, p.Ser1376= (NM_001329137.2); c.4152C>G, p.Ser1384= (NM_001329138.2); c.4110C>G, p.Ser1370= (NM_001329139.2); c.4050C>G, p.Ser1350= (NM_001329140.2); c.4935C>G, p.Ser1645= (NM_130440.4).
Identifiers: ClinVar variation 3043516 (VCV003043516.2), dbSNP rs138934219, ClinGen allele CA813401.